The following is an entry in ClinVar:

ClinVar aggregate classification (germline): Uncertain significance (1 of 4 stars; one submission).

Conditions:
Primary ciliary dyskinesia 27. Also called: CILIARY DYSKINESIA, PRIMARY, 27, WITHOUT SITUS INVERSUS. Identifiers: Orphanet 244, MedGen C3809701, MONDO:0014215, OMIM 615504.

Allele frequency attached by ClinVar (database versions not stated): gnomAD 0.00001; ExAC 0.00002; TOPMed 0.00002.
gnomAD v4.1: 26 of 1,614,062 alleles (0.0016%); highest among the groups gnomAD compares: Middle Eastern, 0.016%; no homozygotes.

Submission:

Labcorp Genetics (formerly Invitae), Labcorp
Classification: Uncertain significance for Primary ciliary dyskinesia 27. Last evaluated: 2021-12-08. Review status: criteria provided, single submitter. Criteria: Invitae Variant Classification Sherloc (09022015). Collection method: clinical testing. Allele origin: germline.
Comment: This sequence change replaces arginine, which is basic and polar, with glutamine, which is neutral and polar, at codon 240 of the CCDC65 protein (p.Arg240Gln). This variant is present in population databases (rs759137345, gnomAD 0.006%). This variant has not been reported in the literature in individuals affected with CCDC65-related conditions. Algorithms developed to predict the effect of missense changes on protein structure and function output the following: SIFT: "Tolerated"; PolyPhen-2: "Benign"; Align-GVGD: "Class C0". The glutamine amino acid residue is found in multiple mammalian species, which suggests that this missense change does not adversely affect protein function. In summary, the available evidence is currently insufficient to determine the role of this variant in disease. Therefore, it has been classified as a Variant of Uncertain Significance.

NM_033124.5(DRC2):c.719G>A (p.Arg240Gln)

Gene: DRC2 (dynein regulatory complex subunit 2; plus strand). Cytogenetic location: 12q13.12.
Variant type: single nucleotide variant.
Coding change: c.719G>A on transcript NM_033124.5 (MANE Select); coding-DNA position 719, G replaced by A.
Protein change: p.Arg240Gln; replaces arginine 240 with glutamine.
Molecular consequence: missense variant.
Genome position (GRCh38, 1-based): chr12:48,918,384, G>A. VCF-style: chr12-48918384-G-A. GRCh37 (hg19) VCF-style: chr12-49312167-G-A.
Other names: c.290G>A, p.Arg97Gln (NM_001286957.2); short protein forms R240Q, R97Q.
Identifiers: ClinVar variation 2187455 (VCV002187455.1), dbSNP rs759137345, ClinGen allele CA6543318.